The following is an entry in ClinVar:

ClinVar aggregate classification (germline): Uncertain significance (1 of 4 stars; one submission).

Conditions:
Propionic acidemia (PROP). Also called: GLYCINEMIA, KETOTIC; HYPERGLYCINEMIA WITH KETOACIDOSIS AND LEUKOPENIA; KETOTIC HYPERGLYCINEMIA. Identifiers: Orphanet 35, MedGen C0268579, MONDO:0011628, OMIM 606054, HP:0003571.

Submission:

Labcorp Genetics (formerly Invitae), Labcorp
Classification: Uncertain significance for Propionic acidemia. Last evaluated: 2022-04-08. Review status: criteria provided, single submitter. Criteria: Invitae Variant Classification Sherloc (09022015). Collection method: clinical testing. Allele origin: germline.
Comment: This sequence change replaces tyrosine, which is neutral and polar, with histidine, which is basic and polar, at codon 176 of the PCCB protein (p.Tyr176His). This variant is not present in population databases (gnomAD no frequency). This variant has not been reported in the literature in individuals affected with PCCB-related conditions. Advanced modeling of protein sequence and biophysical properties (such as structural, functional, and spatial information, amino acid conservation, physicochemical variation, residue mobility, and thermodynamic stability) performed at Invitae indicates that this missense variant is expected to disrupt PCCB protein function. In summary, the available evidence is currently insufficient to determine the role of this variant in disease. Therefore, it has been classified as a Variant of Uncertain Significance.

NM_000532.5(PCCB):c.526T>C (p.Tyr176His)

Gene: PCCB (propionyl-CoA carboxylase subunit beta; plus strand). Cytogenetic location: 3q22.3.
Variant type: single nucleotide variant.
Coding change: c.526T>C on transcript NM_000532.5 (MANE Select); coding-DNA position 526, T replaced by C.
Protein change: p.Tyr176His; replaces tyrosine 176 with histidine.
Molecular consequence: missense variant.
Genome position (GRCh38, 1-based): chr3:136,262,048, T>C. VCF-style: chr3-136262048-T-C. GRCh37 (hg19) VCF-style: chr3-135980890-T-C.
Other names: c.586T>C, p.Tyr196His (NM_001178014.2); short protein forms Y176H, Y196H.
Identifiers: ClinVar variation 1980805 (VCV001980805.4), dbSNP rs1195747080, ClinGen allele CA354739964.